The following is an entry in ClinVar:

ClinVar aggregate classification (germline): Pathogenic (1 of 4 stars; one submission).

Conditions:
Sulfite oxidase deficiency. Also called: Isolated sulfite oxidase deficiency. Identifiers: Orphanet 833, Orphanet 99731, MedGen C0268624, MONDO:0010089, OMIM 272300, HP:0003643.

Allele frequency attached by ClinVar (database versions not stated): TOPMed 0.00001.

Submission:

Labcorp Genetics (formerly Invitae), Labcorp
Classification: Pathogenic for Sulfite oxidase deficiency. Last evaluated: 2023-11-02. Review status: criteria provided, single submitter. Criteria: Invitae Variant Classification Sherloc (09022015). Collection method: clinical testing. Allele origin: germline.
Comment: This sequence change creates a premature translational stop signal (p.Pro358Hisfs*27) in the SUOX gene. While this is not anticipated to result in nonsense mediated decay, it is expected to disrupt the last 188 amino acid(s) of the SUOX protein. This variant is not present in population databases (gnomAD no frequency). This variant has not been reported in the literature in individuals affected with SUOX-related conditions. This variant disrupts a region of the SUOX protein in which other variant(s) (p.Arg529*) have been determined to be pathogenic (PMID: 17940249, 28980090). This suggests that this is a clinically significant region of the protein, and that variants that disrupt it are likely to be disease-causing. For these reasons, this variant has been classified as Pathogenic.

Literature cited by the submitters: PubMed 17940249; PubMed 28980090.

NM_001032386.2(SUOX):c.1071del (p.Pro358fs)

Gene: SUOX (sulfite oxidase; plus strand). Cytogenetic location: 12q13.2.
Variant type: Deletion.
Coding change: c.1071del on transcript NM_001032386.2 (MANE Select); coding-DNA position 1071, one base deleted (G; older notation c.1071delG).
Protein change: p.Pro358fs; shifts the reading frame from proline 358.
Molecular consequence: frameshift variant.
Genome position (GRCh38, 1-based): chr12:56,004,460, G deleted. VCF-style (leftmost placement, unchanged base first): chr12-56004459-TG-T. GRCh37 (hg19) VCF-style: chr12-56398243-TG-T.
Other names: c.1071del, p.Pro358fs (NM_000456.3, NM_001032387.2); short protein forms P358fs.
Identifiers: ClinVar variation 2741574 (VCV002741574.3), dbSNP rs1890661164, ClinGen allele CA2038197878.